The following is an entry in ClinVar:

Conditions:
Breast-ovarian cancer, familial, susceptibility to, 1 (BROVCA1). Also called: BRCA1 Hereditary Breast and Ovarian Cancer; OVARIAN CANCER, SUSCEPTIBILITY TO. Identifiers: Orphanet 145, MedGen C2676676, MONDO:0011450, OMIM 604370. Disease mechanism: loss of function.

Submission:

Brotman Baty Institute, University of Washington
No classification provided (evidence only). Condition: Breast-ovarian cancer, familial 1. Review status: no classification provided. Collection method: in vitro. Allele origin: not applicable. Functional consequence: functionally_normal.
ClinVar note: "not provided" was previously submitted as the classification for the variant. However, the classification appeared to be based only on an observation of functional data so it was converted to no classification on 2025-07-30.

NM_007294.4(BRCA1):c.5153-24C>A

Gene: BRCA1 (BRCA1 DNA repair associated; minus strand). Cytogenetic location: 17q21.31.
Variant type: single nucleotide variant.
Coding change: c.5153-24C>A on transcript NM_007294.4 (MANE Select); 24 bases into the intron before coding-DNA position 5153, C replaced by A.
Molecular consequence: intron variant.
Genome position (GRCh38, 1-based): chr17:43,063,397, G>T on the plus strand (C>A on the coding strand, the complement: BRCA1 is on the minus strand). VCF-style: chr17-43063397-G-T. GRCh37 (hg19) VCF-style: chr17-41215414-G-T.
Other names: c.1700-24C>A (NM_001408458.1, NM_001408461.1, NM_001408464.1 and 7 more transcripts); c.4262-24C>A (NM_001407967.1); c.4772-24C>A (NM_001407959.1); c.4886-24C>A (NM_001407931.1, NM_001407932.1, NM_001407928.1 and 4 more transcripts); c.5009-24C>A (NM_001407747.1, NM_001407745.1, NM_001407737.1 and 21 more transcripts); c.4769-24C>A (NM_001407962.1, NM_001407960.1); c.1340-24C>A (NM_001408512.1); c.1463-24C>A (NM_001408510.1); and 72 more.
Identifiers: ClinVar variation 868732 (VCV000868732.3), dbSNP rs1313068638, ClinGen allele CA916080099.